The following is an entry in ClinVar:

NM_007294.4(BRCA1):c.5464_5465insT (p.His1822fs)

Gene: BRCA1 (BRCA1 DNA repair associated; minus strand). Cytogenetic location: 17q21.31.
Variant type: Insertion.
Coding change: c.5464_5465insT on transcript NM_007294.4 (MANE Select); coding-DNA positions 5464 to 5465, T inserted.
Protein change: p.His1822fs; shifts the reading frame from histidine 1822.
Molecular consequence: frameshift variant. On other transcripts: non-coding transcript variant (1).
Genome position: GRCh38 VCF-style: chr17-43047645-T-TA. GRCh37 (hg19) VCF-style: chr17-41199662-T-TA.
Other names: H1822L; c.5212_5213insT, p.His1738Leufs (NM_001407919.1); c.5200_5201insT, p.His1734Leufs (NM_001407920.1, NM_001407921.1, NM_001407922.1 and 4 more transcripts); c.5197_5198insT, p.His1733Leufs (NM_001407927.1, NM_001407928.1, NM_001407929.1 and 4 more transcripts); c.5194_5195insT, p.His1732Leufs (NM_001407934.1, NM_001407935.1, NM_001407936.1); c.5267_5268insT, p.Cys1757Metfs (NM_001407937.1, NM_001407938.1); c.5264_5265insT, p.Cys1756Metfs (NM_001407939.1, NM_001407940.1); c.5261_5262insT, p.Cys1755Metfs (NM_001407941.1); and 87 more; short protein forms H1822fs, H1843fs, C694fs, H718fs, H1775fs.
Identifiers: ClinVar variation 125850 (VCV000125850.3), dbSNP rs273902769, ClinGen allele CA003609.

ClinVar aggregate classification (germline): Pathogenic. Review status: reviewed by expert panel (3 of 4 stars). 2 submissions from 2 submitters: Pathogenic (1). 1 of the submissions does not count toward it. Last evaluated 2016-09-08.

Conditions:
Breast-ovarian cancer, familial, susceptibility to, 1 (BROVCA1). Also called: BRCA1 Hereditary Breast and Ovarian Cancer; OVARIAN CANCER, SUSCEPTIBILITY TO. Identifiers: Orphanet 145, MedGen C2676676, MONDO:0011450, OMIM 604370. Disease mechanism: loss of function.

Submissions (2):

Evidence-based Network for the Interpretation of Germline Mutant Alleles (ENIGMA)
Classification: Pathogenic for Breast-ovarian cancer, familial, susceptibility to, 1. Last evaluated: 2016-09-08. Review status: reviewed by expert panel. Criteria: ENIGMA BRCA1/2 Classification Criteria (2015). Collection method: curation. Allele origin: germline.
Comment: Variant allele predicted to encode a truncated non-functional protein.

Breast Cancer Information Core (BIC) (BRCA1)
Classification: Uncertain significance for Breast-ovarian cancer, familial 1. Last evaluated: 2010-08-13. Review status: no assertion criteria provided. Collection method: clinical testing. Allele origin: germline. Affected: yes. Observed: 1 variant allele. Not counted in ClinVar's aggregate classification.